The following is an entry in ClinVar:

ClinVar aggregate classification (germline): Conflicting classifications of pathogenicity. Review status: criteria provided, conflicting classifications (1 of 4 stars). 6 submissions from 6 submitters: Likely pathogenic (2); Uncertain significance (4). Last evaluated 2025-12-23.

Conditions:
Familial thoracic aortic aneurysm and aortic dissection (TAAD). Also called: Thoracic aortic aneurysms and dissections. Identifiers: Orphanet 91387, MedGen C4707243, MONDO:0019625.
Geleophysic dysplasia 2 (GPHYSD2). Identifiers: Orphanet 2623, MedGen C3280054, MONDO:0013612, OMIM 614185.
Marfan syndrome (MFS). Also called: Marfan syndrome, classic; FBN1-Related Marfan Syndrome; Marfan syndrome type 1; Marfan's syndrome; MARFAN SYNDROME, TYPE I. Identifiers: Orphanet 284963, Orphanet 558, MedGen C0024796, MONDO:0007947, OMIM 154700.

Allele frequency attached by ClinVar (database versions not stated): gnomAD exomes below 0.00001; TOPMed below 0.00001.
gnomAD v4.1: 3 of 1,614,010 alleles (0.00019%); highest among the groups gnomAD compares: Admixed American, 0.0017%; no homozygotes.

Submissions (6):

GeneDx
Classification: Uncertain significance. Last evaluated: 2025-12-23. Review status: criteria provided, single submitter. Criteria: GeneDx Variant Classification Process June 2021. Collection method: clinical testing. Allele origin: germline. Affected: yes.
Comment: Identified in a cohort of patients with mitral valve prolapse (MVP) in published literature (PMID: 32277046); Not observed at significant frequency in large population cohorts (gnomAD); Does not affect a cysteine or calcium-binding residue within an EGF-like domain or a TGF-binding protein domain of the FBN1 gene; cysteine substitutions in the EGF-like domains represent the majority of pathogenic missense changes associated with FBN1-related disorders (PMID: 12938084); In silico analysis supports that this missense variant has a deleterious effect on protein structure/function; This variant is associated with the following publications: (PMID: 34826401, 12938084, 32277046, 36541592)

Ambry Genetics
Classification: Uncertain significance for Familial thoracic aortic aneurysm and aortic dissection. Last evaluated: 2025-12-21. Review status: criteria provided, single submitter. Criteria: Ambry Variant Classification Scheme 2023. Collection method: clinical testing. Allele origin: germline.
Comment: The p.G1483R variant (also known as c.4447G>A), located in coding exon 35 of the FBN1 gene, results from a G to A substitution at nucleotide position 4447. The glycine at codon 1483 is replaced by arginine, an amino acid with dissimilar properties. This amino acid position is highly conserved in available vertebrate species. In addition, this alteration is predicted to be deleterious by in silico analysis. Since supporting evidence is limited at this time, the clinical significance of this alteration remains unclear.

Color Diagnostics, LLC DBA Color Health
Classification: Uncertain significance for Familial thoracic aortic aneurysm and aortic dissection. Last evaluated: 2025-05-27. Review status: criteria provided, single submitter. Criteria: ACMG Guidelines, 2015. Collection method: clinical testing. Allele origin: germline.
Comment: This missense variant replaces glycine with arginine at codon 1483 of the FBN1 protein. Computational prediction tool is inconclusive regarding the impact of this variant on protein structure and function. To our knowledge, functional studies have not been reported for this variant. This variant has not been reported in individuals affected with FBN1-related disorders in the literature. This variant has not been identified in the general population by the Genome Aggregation Database (gnomAD). The available evidence is insufficient to determine the role of this variant in disease conclusively. Therefore, this variant is classified as a Variant of Uncertain Significance.

Neuberg Centre For Genomic Medicine, NCGM
Classification: Likely pathogenic for Geleophysic dysplasia 2. Last evaluated: 2024-02-01. Review status: criteria provided, single submitter. Criteria: ACMG Guidelines, 2015. Collection method: clinical testing. Allele origin: germline. Inheritance: Autosomal dominant inheritance.
Comment: The amino acid Gly at position 1483 is changed to a Arg changing protein sequence and it might alter its composition and physico-chemical properties. The classification is based on ACMG rules, with the supporting clinical evidence rules (PS1,PM1,PM2,PP2,PP3,PP5). For these reasons, this variant has been classified as likely pathogenic.

All of Us Research Program, National Institutes of Health
Classification: Uncertain significance for Marfan syndrome. Last evaluated: 2023-12-13. Review status: criteria provided, single submitter. Criteria: ACMG Guidelines, 2015. Collection method: clinical testing. Allele origin: germline. Inheritance: Autosomal dominant inheritance. Observed: 3 variant alleles, 3 heterozygotes.
Comment: This missense variant replaces glycine with arginine at codon 1483 of the FBN1 protein. Computational prediction is inconclusive regarding the impact of this variant on protein structure and function (internally defined REVEL score threshold 0.5 < inconclusive < 0.7, PMID: 27666373). To our knowledge, functional studies have not been reported for this variant. This variant has not been reported in individuals affected with FBN1-related disorders in the literature. This variant has not been identified in the general population by the Genome Aggregation Database (gnomAD). The available evidence is insufficient to determine the role of this variant in disease conclusively. Therefore, this variant is classified as a Variant of Uncertain Significance.

This study involves interpretation of variants in research participants for the purpose of population health screening. Participant phenotype was not available at the time of variant classification. Additional details can be found in publication PMID: 35346344, PMCID: PMC8962531

Centre of Medical Genetics, University Hospital Muenster
Classification: Likely pathogenic. Last evaluated: 2021-12-20. Review status: criteria provided, single submitter. Criteria: ACMG Guidelines, 2015. Collection method: clinical testing. Allele origin: unknown. Affected: yes. Observed: 1 variant allele, 1 heterozygote.
Comment: ACMG categories: PS1,PM2,PP5

NM_000138.5(FBN1):c.4447G>A (p.Gly1483Arg)

Gene: FBN1 (fibrillin 1; minus strand). Cytogenetic location: 15q21.1.
Variant type: single nucleotide variant.
Coding change: c.4447G>A on transcript NM_000138.5 (MANE Select); coding-DNA position 4447, G replaced by A.
Protein change: p.Gly1483Arg; replaces glycine 1483 with arginine.
Molecular consequence: missense variant.
Genome position (GRCh38, 1-based): chr15:48,470,646, C>T on the plus strand (G>A on the coding strand, the complement: FBN1 is on the minus strand). VCF-style: chr15-48470646-C-T. GRCh37 (hg19) VCF-style: chr15-48762843-C-T.
Other names: p.G1483R:GGG>AGG; short protein forms G1483R.
Identifiers: ClinVar variation 200045 (VCV000200045.14), dbSNP rs794728223, ClinGen allele CA015077.